The following is an entry in ClinVar:

NM_032208.3(ANTXR1):c.854T>C (p.Ile285Thr)

Gene: ANTXR1 (ANTXR cell adhesion molecule 1; plus strand). Cytogenetic location: 2p13.3.
Variant type: single nucleotide variant.
Coding change: c.854T>C on transcript NM_032208.3 (MANE Select); coding-DNA position 854, T replaced by C.
Protein change: p.Ile285Thr; replaces isoleucine 285 with threonine.
Molecular consequence: missense variant.
Genome position (GRCh38, 1-based): chr2:69,123,068, T>C. VCF-style: chr2-69123068-T-C. GRCh37 (hg19) VCF-style: chr2-69350200-T-C.
Other names: c.854T>C, p.Ile285Thr (NM_001410840.1, NM_018153.3, NM_053034.2); short protein forms I285T.
Identifiers: ClinVar variation 1995284 (VCV001995284.4), dbSNP rs371239458, ClinGen allele CA1693076.
Genomic context (GRCh38, chr2:69,123,068, plus strand): 5'-TTTTTGCAGATGAGAAGCCCTTTTCTGTGGAAGATACTTATTTACTGTGTCCAGCGCCTA[T>C]CTTAAAAGAAGTTGGCATGTAAGTTTTCACCAGCAACTGAACCTCCCAGCCAGGGAAGAG-3'
Protein context (NP_115584.1, residues 275-295): EDTYLLCPAP[Ile285Thr]LKEVGMKAAL

ClinVar aggregate classification (germline): Uncertain significance (1 of 4 stars; one submission).

Allele frequency attached by ClinVar (database versions not stated): ExAC 0.00001; TOPMed 0.00002; gnomAD 0.00003.
gnomAD v4.1: 4 of 1,614,120 alleles (0.00025%); highest among the groups gnomAD compares: African/African-American, 0.0053%; no homozygotes.

Submission:

Labcorp Genetics (formerly Invitae), Labcorp
Classification: Uncertain significance. Last evaluated: 2022-05-16. Review status: criteria provided, single submitter. Criteria: Invitae Variant Classification Sherloc (09022015). Collection method: clinical testing. Allele origin: germline.
Comment: In summary, the available evidence is currently insufficient to determine the role of this variant in disease. Therefore, it has been classified as a Variant of Uncertain Significance. Algorithms developed to predict the effect of missense changes on protein structure and function are either unavailable or do not agree on the potential impact of this missense change (SIFT: "Deleterious"; PolyPhen-2: "Benign"; Align-GVGD: "Class C25"). This variant has not been reported in the literature in individuals affected with ANTXR1-related conditions. This variant is present in population databases (rs371239458, gnomAD 0.008%). This sequence change replaces isoleucine, which is neutral and non-polar, with threonine, which is neutral and polar, at codon 285 of the ANTXR1 protein (p.Ile285Thr).